The following is an entry in ClinVar:

NM_001166114.2(PNPLA6):c.714+8G>A

Gene: PNPLA6 (patatin like domain 6, lysophospholipase; plus strand). Cytogenetic location: 19p13.2.
Variant type: single nucleotide variant.
Coding change: c.714+8G>A on transcript NM_001166114.2 (MANE Select); 8 bases into the intron after coding-DNA position 714, G replaced by A.
Molecular consequence: intron variant.
Genome position (GRCh38, 1-based): chr19:7,540,316, G>A. VCF-style: chr19-7540316-G-A. GRCh37 (hg19) VCF-style: chr19-7605202-G-A.
Other names: c.597+8G>A (NM_006702.5, NM_001166112.2, NM_001166113.1); c.741+8G>A (NM_001166111.2).
Identifiers: ClinVar variation 1937767 (VCV001937767.5), dbSNP rs2512498214, ClinGen allele CA2580097080.

ClinVar aggregate classification (germline): Uncertain significance (1 of 4 stars; one submission).

Conditions:
Hereditary spastic paraplegia 39 (SPG39). Also called: SPASTIC PARAPLEGIA 39, AUTOSOMAL RECESSIVE; Spastic Paraplegia Type 39 (SPG39). Identifiers: Orphanet 139480, MedGen C2677586, MONDO:0012787, OMIM 612020.

Allele frequency attached by ClinVar (database versions not stated): gnomAD exomes below 0.00001.
gnomAD v4.1: 1 of 1,601,166 alleles (0.000062%); highest among the groups gnomAD compares: Non-Finnish European, 0.000085%; no homozygotes.

Submission:

Labcorp Genetics (formerly Invitae), Labcorp
Classification: Uncertain significance for Hereditary spastic paraplegia 39. Last evaluated: 2022-08-09. Review status: criteria provided, single submitter. Criteria: Invitae Variant Classification Sherloc (09022015). Collection method: clinical testing. Allele origin: germline.
Comment: In summary, the available evidence is currently insufficient to determine the role of this variant in disease. Therefore, it has been classified as a Variant of Uncertain Significance. This sequence change falls in intron 8 of the PNPLA6 gene. It does not directly change the encoded amino acid sequence of the PNPLA6 protein. This variant is not present in population databases (gnomAD no frequency). This variant has not been reported in the literature in individuals affected with PNPLA6-related conditions. Algorithms developed to predict the effect of sequence changes on RNA splicing suggest that this variant may create or strengthen a splice site.